The following is an entry in ClinVar:

NM_002875.5(RAD51):c.1015G>A (p.Asp339Asn)

Gene: RAD51 (RAD51 recombinase; plus strand). Cytogenetic location: 15q15.1.
Variant type: single nucleotide variant.
Coding change: c.1015G>A on transcript NM_002875.5 (MANE Select); coding-DNA position 1015, G replaced by A.
Protein change: p.Asp339Asn; replaces aspartic acid 339 with asparagine.
Molecular consequence: missense variant. On other transcripts: 3 prime UTR variant (1).
Genome position (GRCh38, 1-based): chr15:40,731,173, G>A. VCF-style: chr15-40731173-G-A. GRCh37 (hg19) VCF-style: chr15-41023371-G-A.
Other names: c.1018G>A, p.Asp340Asn (NM_001164269.2, NM_133487.4); c.*50G>A (NM_001164270.2); short protein forms D339N, D340N.
Identifiers: ClinVar variation 3222837 (VCV003222837.2), dbSNP rs1391217140, ClinGen allele CA391761322.
Genomic context (GRCh38, chr15:40,731,173, plus strand): 5'-TGTCTTCCTGAAGCTGAAGCTATGTTCGCCATTAATGCAGATGGAGTGGGAGATGCCAAA[G>A]ACTGAATCATTGGGTTTTTCCTCTGTTAAAAACCTTAAGTGCTGCAGCCTAATGAGAGTG-3'
Protein context (NP_002866.2, residues 329-339): INADGVGDAK[Asp339Asn]

ClinVar aggregate classification (germline): Uncertain significance. Review status: criteria provided, multiple submitters, no conflicts (2 of 4 stars). 2 submissions from 2 submitters: Uncertain significance (2). Last evaluated 2025-08-05.

Conditions:
Inborn genetic diseases. Identifiers: MedGen C0950123, MeSH D030342.

gnomAD v4.1: 5 of 1,614,086 alleles (0.00031%); highest among the groups gnomAD compares: African/African-American, 0.0027%; no homozygotes.

Submissions (2):

Labcorp Genetics (formerly Invitae), Labcorp
Classification: Uncertain significance. Last evaluated: 2025-08-05. Review status: criteria provided, single submitter. Criteria: Invitae Variant Classification Sherloc (09022015). Collection method: clinical testing. Allele origin: germline.
Comment: This sequence change replaces aspartic acid, which is acidic and polar, with asparagine, which is neutral and polar, at codon 339 of the RAD51 protein (p.Asp339Asn). This variant is not present in population databases (gnomAD no frequency). This variant has not been reported in the literature in individuals affected with RAD51-related conditions. ClinVar contains an entry for this variant (Variation ID: 3222837). An algorithm developed to predict the effect of missense changes on protein structure and function (PolyPhen-2) suggests that this variant is likely to be disruptive. In summary, the available evidence is currently insufficient to determine the role of this variant in disease. Therefore, it has been classified as a Variant of Uncertain Significance.

Ambry Genetics
Classification: Uncertain significance for Inborn genetic diseases. Last evaluated: 2023-12-01. Review status: criteria provided, single submitter. Criteria: Ambry Variant Classification Scheme 2023. Collection method: clinical testing. Allele origin: germline.
Comment: The p.D339N variant (also known as c.1015G>A), located in coding exon 9 of the RAD51 gene, results from a G to A substitution at nucleotide position 1015. The aspartic acid at codon 339 is replaced by asparagine, an amino acid with highly similar properties. This amino acid position is conserved. In addition, this alteration is predicted to be tolerated by in silico analysis. Since supporting evidence is limited at this time, the clinical significance of this alteration remains unclear.